The following is an entry in ClinVar:

NM_020070.4(IGLL1):c.295G>A (p.Gly99Ser)

Gene: IGLL1 (immunoglobulin lambda like polypeptide 1; minus strand). Cytogenetic location: 22q11.23.
Variant type: single nucleotide variant.
Coding change: c.295G>A on transcript NM_020070.4 (MANE Select); coding-DNA position 295, G replaced by A.
Protein change: p.Gly99Ser; replaces glycine 99 with serine.
Molecular consequence: missense variant. On other transcripts: intron variant (1).
Genome position (GRCh38, 1-based): chr22:23,574,994, C>T on the plus strand (G>A on the coding strand, the complement: IGLL1 is on the minus strand). VCF-style: chr22-23574994-C-T. GRCh37 (hg19) VCF-style: chr22-23917181-C-T.
Other names: c.298G>A, p.Gly100Ser (NM_001369906.1); c.207-1409G>A (NM_152855.3); short protein forms G100S, G99S.
Identifiers: ClinVar variation 3628138 (VCV003628138.2).

ClinVar aggregate classification (germline): Uncertain significance (1 of 4 stars; one submission).

Conditions:
Agammaglobulinemia 2, autosomal recessive (AGM2). Also called: AGAMMAGLOBULINEMIA, AUTOSOMAL RECESSIVE, DUE TO IGLL1 DEFECT. Identifiers: MedGen C3150750, MONDO:0013287, OMIM 613500.

gnomAD v4.1: 2 of 1,613,928 alleles (0.00012%); highest among the groups gnomAD compares: Non-Finnish European, 0.00017%; no homozygotes.

Submission:

Labcorp Genetics (formerly Invitae), Labcorp
Classification: Uncertain significance for Agammaglobulinemia 2, autosomal recessive. Last evaluated: 2024-11-07. Review status: criteria provided, single submitter. Criteria: Invitae Variant Classification Sherloc (09022015). Collection method: clinical testing. Allele origin: germline.
Comment: This sequence change replaces glycine, which is neutral and non-polar, with serine, which is neutral and polar, at codon 99 of the IGLL1 protein (p.Gly99Ser). This variant is present in population databases (rs761356067, gnomAD 0.0009%). This variant has not been reported in the literature in individuals affected with IGLL1-related conditions. An algorithm developed to predict the effect of missense changes on protein structure and function outputs the following: PolyPhen-2: "Possibly Damaging". The serine amino acid residue is found in multiple mammalian species, which suggests that this missense change does not adversely affect protein function. In summary, the available evidence is currently insufficient to determine the role of this variant in disease. Therefore, it has been classified as a Variant of Uncertain Significance.